The following is an entry in ClinVar:

ClinVar aggregate classification (germline): Uncertain significance (1 of 4 stars; one submission).

Allele frequency attached by ClinVar (database versions not stated): gnomAD exomes below 0.00001; ExAC 0.00001; TOPMed 0.00001; ESP Exome Variant Server 0.00008.
gnomAD v4.1: 6 of 1,614,152 alleles (0.00037%); highest among the groups gnomAD compares: South Asian, 0.0011%; no homozygotes.

Submission:

Ambry Genetics
Classification: Uncertain significance. Last evaluated: 2024-01-11. Review status: criteria provided, single submitter. Criteria: Ambry Variant Classification Scheme 2023. Collection method: clinical testing. Allele origin: germline.
Comment: The p.A508T variant (also known as c.1522G>A), located in coding exon 10 of the MYLK2 gene, results from a G to A substitution at nucleotide position 1522. The alanine at codon 508 is replaced by threonine, an amino acid with similar properties. This amino acid position is conserved. In addition, this alteration is predicted to be tolerated by in silico analysis. Since supporting evidence is limited at this time, the clinical significance of this alteration remains unclear.

NM_033118.4(MYLK2):c.1522G>A (p.Ala508Thr)

Gene: MYLK2 (myosin light chain kinase 2; plus strand). Cytogenetic location: 20q11.21.
Variant type: single nucleotide variant.
Coding change: c.1522G>A on transcript NM_033118.4 (MANE Select); coding-DNA position 1522, G replaced by A.
Protein change: p.Ala508Thr; replaces alanine 508 with threonine.
Molecular consequence: missense variant.
Genome position (GRCh38, 1-based): chr20:31,831,800, G>A. VCF-style: chr20-31831800-G-A. GRCh37 (hg19) VCF-style: chr20-30419603-G-A.
Other names: short protein forms A508T.
Identifiers: ClinVar variation 3228194 (VCV003228194.1), dbSNP rs374667330, ClinGen allele CA9803246.